The following is an entry in ClinVar:

ClinVar aggregate classification (germline): Uncertain significance (1 of 4 stars; one submission).

Conditions:
Epileptic encephalopathy. Identifiers: MedGen C0543888, HP:0200134.

Submission:

Labcorp Genetics (formerly Invitae), Labcorp
Classification: Uncertain significance for Epileptic encephalopathy. Last evaluated: 2024-07-03. Review status: criteria provided, single submitter. Criteria: Invitae Variant Classification Sherloc (09022015). Collection method: clinical testing. Allele origin: germline.
Comment: This sequence change replaces valine, which is neutral and non-polar, with methionine, which is neutral and non-polar, at codon 263 of the GABBR2 protein (p.Val263Met). This variant is not present in population databases (gnomAD no frequency). This variant has not been reported in the literature in individuals affected with GABBR2-related conditions. Advanced modeling of protein sequence and biophysical properties (such as structural, functional, and spatial information, amino acid conservation, physicochemical variation, residue mobility, and thermodynamic stability) performed at Invitae indicates that this missense variant is expected to disrupt GABBR2 protein function with a positive predictive value of 80%. In summary, the available evidence is currently insufficient to determine the role of this variant in disease. Therefore, it has been classified as a Variant of Uncertain Significance.

NM_005458.8(GABBR2):c.787G>A (p.Val263Met)

Gene: GABBR2 (gamma-aminobutyric acid type B receptor subunit 2; minus strand). Cytogenetic location: 9q22.33.
Variant type: single nucleotide variant.
Coding change: c.787G>A on transcript NM_005458.8 (MANE Select); coding-DNA position 787, G replaced by A.
Protein change: p.Val263Met; replaces valine 263 with methionine.
Molecular consequence: missense variant.
Genome position (GRCh38, 1-based): chr9:98,480,943, C>T on the plus strand (G>A on the coding strand, the complement: GABBR2 is on the minus strand). VCF-style: chr9-98480943-C-T. GRCh37 (hg19) VCF-style: chr9-101243225-C-T.
Other names: short protein forms V263M.
Identifiers: ClinVar variation 3658616 (VCV003658616.2).
Genomic context (GRCh38, chr9:98,480,943, plus strand): 5'-GCTTCGTGAACCTCCCCAAAGACACGAATGATACAACTGTTTTACTTACACAACAGAACA[C>T]TTTTGCTGCCATATTCTGGTCAAACTGGCCAAGGATGATCCGCACATCATTCCCCTGTGG-3'
Protein context (NP_005449.5, residues 253-273): GQFDQNMAAK[Val263Met]FCCAYEENMY